The following is an entry in ClinVar:

ClinVar aggregate classification (germline): Uncertain significance (1 of 4 stars; one submission).

Submission:

Women's Health and Genetics/Laboratory Corporation of America, LabCorp
Classification: Uncertain significance. Last evaluated: 2025-04-16. Review status: criteria provided, single submitter. Criteria: LabCorp Variant Classification Summary - May 2015. Collection method: clinical testing. Allele origin: germline.
Comment: Variant summary: PTS c.302C>T (p.Ala101Val) results in a non-conservative amino acid change in the encoded protein sequence. Three of five in-silico tools predict a damaging effect of the variant on protein function. The variant was absent in 251350 control chromosomes. The available data on variant occurrences in the general population are insufficient to allow any conclusion about variant significance. To our knowledge, no occurance of c.302C>T in individual(s) affected with 6-Pyruvoyl-Tetrahydropterin Synthase Deficiency and no experimental evidence demonstrating an impact on protein function has been reported. The following publication have been ascertained in the context of this evaluation (PMID: 16917893). No submitters have cited clinical-significance assessments for this variant to ClinVar. Based on the evidence outlined above, the variant was classified as uncertain significance.

Literature cited by the submitters: PubMed 16917893.

NM_000317.3(PTS):c.302C>T (p.Ala101Val)

Gene: PTS (6-pyruvoyltetrahydropterin synthase; plus strand). Cytogenetic location: 11q23.1.
Variant type: single nucleotide variant.
Coding change: c.302C>T on transcript NM_000317.3 (MANE Select); coding-DNA position 302, C replaced by T.
Protein change: p.Ala101Val; replaces alanine 101 with valine.
Molecular consequence: missense variant.
Genome position (GRCh38, 1-based): chr11:112,233,221, C>T. VCF-style: chr11-112233221-C-T. GRCh37 (hg19) VCF-style: chr11-112103944-C-T.
Other names: short protein forms A101V.
Identifiers: ClinVar variation 3896242 (VCV003896242.2).